The following is an entry in ClinVar:

NM_001367624.2(ZNF469):c.11645C>G (p.Pro3882Arg)

Gene: ZNF469 (zinc finger protein 469; plus strand). Cytogenetic location: 16q24.2.
Variant type: single nucleotide variant.
Coding change: c.11645C>G on transcript NM_001367624.2 (MANE Select); coding-DNA position 11645, C replaced by G.
Protein change: p.Pro3882Arg; replaces proline 3882 with arginine.
Molecular consequence: missense variant.
Genome position (GRCh38, 1-based): chr16:88,439,115, C>G. VCF-style: chr16-88439115-C-G. GRCh37 (hg19) VCF-style: chr16-88505523-C-G.
Other names: NM_001127464.1:c.11561C>G; short protein forms P3882R.
Identifiers: ClinVar variation 3476280 (VCV003476280.1).

ClinVar aggregate classification (germline): Uncertain significance (1 of 4 stars; one submission).

Conditions:
Cardiovascular phenotype. Identifiers: MedGen CN230736.

gnomAD v4.1: 3 of 1,550,974 alleles (0.00019%); highest among the groups gnomAD compares: Non-Finnish European, 0.00026%; no homozygotes.

Submission:

Ambry Genetics
Classification: Uncertain significance for Cardiovascular phenotype. Last evaluated: 2024-11-18. Review status: criteria provided, single submitter. Criteria: Ambry Variant Classification Scheme 2023. Collection method: clinical testing. Allele origin: germline.
Comment: The p.P3854R variant (also known as c.11561C>G), located in coding exon 2 of the ZNF469 gene, results from a C to G substitution at nucleotide position 11561. The proline at codon 3854 is replaced by arginine, an amino acid with dissimilar properties. This amino acid position is conserved. In addition, this alteration is predicted to be tolerated by in silico analysis. Based on the available evidence, the clinical significance of this variant remains unclear.